The following is an entry in ClinVar:

ClinVar aggregate classification (germline): Uncertain significance (1 of 4 stars; one submission).

Conditions:
Fanconi anemia complementation group J. Also called: BRIP1-Related Fanconi Anemia. Identifiers: Orphanet 84, MedGen C1836860, MONDO:0012187, OMIM 609054.
Familial cancer of breast. Also called: Hereditary breast cancer; BREAST CANCER, FAMILIAL; hereditary breast carcinoma. Identifiers: Orphanet 227535, MedGen C0346153, MONDO:0016419, OMIM 114480. Disease mechanism: loss of function.

Submission:

Labcorp Genetics (formerly Invitae), Labcorp
Classification: Uncertain significance for Familial cancer of breast; Fanconi anemia complementation group J. Last evaluated: 2025-08-29. Review status: criteria provided, single submitter. Criteria: Invitae Variant Classification Sherloc (09022015). Collection method: clinical testing. Allele origin: germline.
Comment: This sequence change replaces valine, which is neutral and non-polar, with leucine, which is neutral and non-polar, at codon 1185 of the BRIP1 protein (p.Val1185Leu). This variant is not present in population databases (gnomAD no frequency). This variant has not been reported in the literature in individuals affected with BRIP1-related conditions. ClinVar contains an entry for this variant (Variation ID: 566157). Invitae Evidence Modeling of protein sequence and biophysical properties (such as structural, functional, and spatial information, amino acid conservation, physicochemical variation, residue mobility, and thermodynamic stability) indicates that this missense variant is not expected to disrupt BRIP1 protein function with a negative predictive value of 95%. In summary, the available evidence is currently insufficient to determine the role of this variant in disease. Therefore, it has been classified as a Variant of Uncertain Significance.

NM_032043.3(BRIP1):c.3553G>C (p.Val1185Leu)

Gene: BRIP1 (BRCA1 interacting DNA helicase 1; minus strand). Cytogenetic location: 17q23.2.
Variant type: single nucleotide variant.
Coding change: c.3553G>C on transcript NM_032043.3 (MANE Select); coding-DNA position 3553, G replaced by C.
Protein change: p.Val1185Leu; replaces valine 1185 with leucine.
Molecular consequence: missense variant.
Genome position (GRCh38, 1-based): chr17:61,683,493, C>G on the plus strand (G>C on the coding strand, the complement: BRIP1 is on the minus strand). VCF-style: chr17-61683493-C-G. GRCh37 (hg19) VCF-style: chr17-59760854-C-G.
Other names: short protein forms V1185L.
Identifiers: ClinVar variation 566157 (VCV000566157.11), dbSNP rs1567727691, ClinGen allele CA400478284.